The following is an entry in ClinVar:

NC_000003.11:g.(?_30732902)_(30735937_?)del

Gene: TGFBR2 (transforming growth factor beta receptor 2; plus strand). Cytogenetic location: 3p24.1.
Variant type: Deletion.
Identifiers: ClinVar variation 1007434 (VCV001007434.1).

ClinVar aggregate classification (germline): Uncertain significance (1 of 4 stars; one submission).

Conditions:
Familial thoracic aortic aneurysm and aortic dissection (TAAD). Also called: Thoracic aortic aneurysms and dissections. Identifiers: Orphanet 91387, MedGen C4707243, MONDO:0019625.

Submission:

Labcorp Genetics (formerly Invitae), Labcorp
Classification: Uncertain significance for Familial thoracic aortic aneurysm and aortic dissection. Last evaluated: 2020-04-19. Review status: criteria provided, single submitter. Criteria: Invitae Variant Classification Sherloc (09022015). Collection method: clinical testing. Allele origin: germline.
Comment: This variant is a gross deletion of the genomic region encompassing exon(s) 7 of the TGFBR2 gene. The 5' boundary is likely confined to intron 6. The 3' end of this event is unknown as it extends through the termination codon beyond the assayed region for this gene and may encompass additional genes. While this deletion is not anticipated to result in nonsense mediated decay, it is expected to create a truncated protein product or disrupt mRNA translation. This variant has not been reported in the literature in individuals with TGFBR2-related conditions. Experimental studies and prediction algorithms are not available or were not evaluated, and the functional significance of this variant is currently unknown. In summary, the available evidence is currently insufficient to determine the role of this variant in disease. Therefore, it has been classified as a Variant of Uncertain Significance.